The following is an entry in ClinVar:

ClinVar aggregate classification (germline): Pathogenic/Likely pathogenic. Review status: criteria provided, multiple submitters, no conflicts (2 of 4 stars). 2 submissions from 2 submitters: Pathogenic (1); Likely pathogenic (1). Last evaluated 2022-02-18.

Conditions:
Neurodevelopmental disorder. Identifiers: MedGen C1535926, MeSH D065886, MONDO:0700092.

Allele frequency attached by ClinVar (database versions not stated): gnomAD exomes below 0.00001; ExAC 0.00001.

Submissions (2):

Labcorp Genetics (formerly Invitae), Labcorp
Classification: Pathogenic. Last evaluated: 2022-02-18. Review status: criteria provided, single submitter. Criteria: Invitae Variant Classification Sherloc (09022015). Collection method: clinical testing. Allele origin: germline.
Comment: This sequence change creates a premature translational stop signal (p.Arg171Leufs*7) in the SNX14 gene. It is expected to result in an absent or disrupted protein product. Loss-of-function variants in SNX14 are known to be pathogenic (PMID: 25439728, 25848753). This variant is present in population databases (rs769742160, gnomAD 0.007%). This variant has not been reported in the literature in individuals affected with SNX14-related conditions. ClinVar contains an entry for this variant (Variation ID: 1064780). For these reasons, this variant has been classified as Pathogenic.

Laboratory of Molecular Genetics (Pr. Bezieau's lab), CHU de Nantes
Classification: Likely pathogenic for Neurodevelopmental disorder. Last evaluated: 2020-02-18. Review status: criteria provided, single submitter. Criteria: ACMG Guidelines, 2015. Collection method: clinical testing. Allele origin: germline. Affected: yes.

Literature cited by the submitters: PubMed 25439728 (cited by Labcorp Genetics (formerly Invitae), Labcorp); PubMed 25848753 (cited by Labcorp Genetics (formerly Invitae), Labcorp).

NM_153816.6(SNX14):c.512del (p.Arg171fs)

Gene: SNX14 (sorting nexin 14; minus strand). Cytogenetic location: 6q14.3.
Variant type: Deletion.
Coding change: c.512del on transcript NM_153816.6 (MANE Select); coding-DNA position 512, one base deleted (G; older notation c.512delG).
Protein change: p.Arg171fs; shifts the reading frame from arginine 171.
Molecular consequence: frameshift variant. On other transcripts: 5 prime UTR variant (6), non-coding transcript variant (5), intron variant (6).
Genome position (GRCh38, 1-based): chr6:85,565,369, C deleted on the plus strand (G on the coding strand, the reverse complement: SNX14 is on the minus strand). VCF-style (leftmost placement, unchanged base first): chr6-85565368-AC-A. GRCh37 (hg19) VCF-style: chr6-86275086-AC-A.
Other names: c.512del, p.Arg171fs (NM_001297614.3, NM_001350538.2, NM_001350540.2 and 1 more transcripts); c.356del, p.Arg119fs (NM_001304479.2, NM_001350544.2); c.575del, p.Arg192fs (NM_001350532.2); c.509del, p.Arg170fs (NM_001350533.2, NM_001350534.2, NM_001350535.2); c.353del, p.Arg118fs (NM_001350539.2); c.68del, p.Arg23fs (NM_001350545.2, NM_001350546.2); c.-454del (NM_001350547.2); c.-640del (NM_001350549.2, NM_001350550.2, NM_001350553.2); and 7 more; short protein forms R118fs, R119fs, R170fs, R171fs, R192fs, R23fs.
Identifiers: ClinVar variation 1064780 (VCV001064780.6), dbSNP rs769742160, ClinGen allele CA3912415.